The following is an entry in ClinVar:

NM_145331.3(MAP3K7):c.976A>G (p.Asn326Asp)

Gene: MAP3K7 (mitogen-activated protein kinase kinase kinase 7; minus strand). Cytogenetic location: 6q15.
Variant type: single nucleotide variant.
Coding change: c.976A>G on transcript NM_145331.3 (MANE Select); coding-DNA position 976, A replaced by G.
Protein change: p.Asn326Asp; replaces asparagine 326 with aspartic acid.
Molecular consequence: missense variant.
Genome position (GRCh38, 1-based): chr6:90,548,151, T>C on the plus strand (A>G on the coding strand, the complement: MAP3K7 is on the minus strand). VCF-style: chr6-90548151-T-C. GRCh37 (hg19) VCF-style: chr6-91257870-T-C.
Other names: c.976A>G, p.Asn326Asp (NM_003188.4, NM_145332.3, NM_145333.3); short protein forms N326D.
Identifiers: ClinVar variation 4529828 (VCV004529828.1).
Genomic context (GRCh38, chr6:90,548,151, plus strand): 5'-TAATAGTATCATTTGTGGCAGGAACTTGCTCCATATTAGTGTCACTTTTGTTACTCGTAT[T>C]TGTAGAAGCAATGTCCATGAATGAGCCTAGGAAAAGCAGAAACATTTATGACTAATGGCT-3'
Protein context (NP_663304.1, residues 316-336): TGSFMDIAST[Asn326Asp]TSNKSDTNME

ClinVar aggregate classification (germline): Uncertain significance (1 of 4 stars; one submission).

Submission:

GeneDx
Classification: Uncertain significance. Last evaluated: 2025-05-12. Review status: criteria provided, single submitter. Criteria: GeneDx Variant Classification Process June 2021. Collection method: clinical testing. Allele origin: germline. Affected: yes.
Comment: Not observed at significant frequency in large population cohorts (gnomAD); In silico analysis suggests that this missense variant does not alter protein structure/function; In silico analysis suggests this variant may impact gene splicing. In the absence of RNA/functional studies, the actual effect of this sequence change is unknown.; Has not been previously published as pathogenic or benign to our knowledge